The following is an entry in ClinVar:

ClinVar aggregate classification (germline): Uncertain significance. Review status: criteria provided, multiple submitters, no conflicts (2 of 4 stars). 2 submissions from 2 submitters: Uncertain significance (2). Last evaluated 2025-05-03.

Conditions:
Inborn genetic diseases. Identifiers: MedGen C0950123, MeSH D030342.

Allele frequency attached by ClinVar (database versions not stated): gnomAD exomes below 0.00001; TOPMed below 0.00001.

Submissions (2):

Ambry Genetics
Classification: Uncertain significance for Inborn genetic diseases. Last evaluated: 2025-05-03. Review status: criteria provided, single submitter. Criteria: Ambry Variant Classification Scheme 2023. Collection method: clinical testing. Allele origin: germline.
Comment: The p.I305T variant (also known as c.914T>C), located in coding exon 1 of the SAMD9 gene, results from a T to C substitution at nucleotide position 914. The isoleucine at codon 305 is replaced by threonine, an amino acid with similar properties. This amino acid position is conserved. In addition, the in silico prediction for this alteration is inconclusive. Based on the available evidence, the clinical significance of this variant remains unclear.

Labcorp Genetics (formerly Invitae), Labcorp
Classification: Uncertain significance. Last evaluated: 2024-03-21. Review status: criteria provided, single submitter. Criteria: Invitae Variant Classification Sherloc (09022015). Collection method: clinical testing. Allele origin: germline.
Comment: This sequence change replaces isoleucine, which is neutral and non-polar, with threonine, which is neutral and polar, at codon 305 of the SAMD9 protein (p.Ile305Thr). This variant is not present in population databases (gnomAD no frequency). This variant has not been reported in the literature in individuals affected with SAMD9-related conditions. Advanced modeling of protein sequence and biophysical properties (such as structural, functional, and spatial information, amino acid conservation, physicochemical variation, residue mobility, and thermodynamic stability) has been performed at Invitae for this missense variant, however the output from this modeling did not meet the statistical confidence thresholds required to predict the impact of this variant on SAMD9 protein function. In summary, the available evidence is currently insufficient to determine the role of this variant in disease. Therefore, it has been classified as a Variant of Uncertain Significance.

NM_017654.4(SAMD9):c.914T>C (p.Ile305Thr)

Gene: SAMD9 (sterile alpha motif domain containing 9; minus strand). Cytogenetic location: 7q21.2.
Variant type: single nucleotide variant.
Coding change: c.914T>C on transcript NM_017654.4 (MANE Select); coding-DNA position 914, T replaced by C.
Protein change: p.Ile305Thr; replaces isoleucine 305 with threonine.
Molecular consequence: missense variant.
Genome position (GRCh38, 1-based): chr7:93,105,184, A>G on the plus strand (T>C on the coding strand, the complement: SAMD9 is on the minus strand). VCF-style: chr7-93105184-A-G. GRCh37 (hg19) VCF-style: chr7-92734497-A-G.
Other names: c.914T>C (NM_017654.3); c.914T>C, p.Ile305Thr (NM_001193307.2); short protein forms I305T.
Identifiers: ClinVar variation 2875776 (VCV002875776.4), dbSNP rs920285271, ClinGen allele CA161994271.